The following is an entry in ClinVar:

ClinVar aggregate classification (germline): Uncertain significance (1 of 4 stars; one submission).

Conditions:
Ellis-van Creveld syndrome (EVC). Also called: EVC-Related Ellis-van Creveld Syndrome; EVC2-Related Ellis-van Creveld Syndrome; MESOECTODERMAL DYSPLASIA; Chondroectodermal dysplasia. Identifiers: Orphanet 289, MedGen C0013903, MONDO:0009162, OMIM 225500.
Curry-Hall syndrome (WAD). Also called: WEYERS ACRODENTAL DYSOSTOSIS. Identifiers: Orphanet 952, MedGen C0457013, MONDO:0008673, OMIM 193530.

gnomAD v4.1: 37 of 1,502,390 alleles (0.0025%); highest among the groups gnomAD compares: Non-Finnish European, 0.0031%; no homozygotes.

Submission:

Labcorp Genetics (formerly Invitae), Labcorp
Classification: Uncertain significance for Curry-Hall syndrome; Ellis-van Creveld syndrome. Last evaluated: 2025-10-22. Review status: criteria provided, single submitter. Criteria: Invitae Variant Classification Sherloc (09022015). Collection method: clinical testing. Allele origin: germline.
Comment: This sequence change replaces serine, which is neutral and polar, with asparagine, which is neutral and polar, at codon 34 of the EVC2 protein (p.Ser34Asn). The frequency data for this variant in the population databases is considered unreliable, as metrics indicate poor data quality at this position in the gnomAD database. This variant has not been reported in the literature in individuals affected with EVC2-related conditions. ClinVar contains an entry for this variant (Variation ID: 1449582). An algorithm developed to predict the effect of missense changes on protein structure and function (PolyPhen-2) suggests that this variant is likely to be tolerated. In summary, the available evidence is currently insufficient to determine the role of this variant in disease. Therefore, it has been classified as a Variant of Uncertain Significance.

NM_147127.5(EVC2):c.101G>A (p.Ser34Asn)

Gene: EVC2 (EvC ciliary complex subunit 2; minus strand). Cytogenetic location: 4p16.2.
Variant type: single nucleotide variant.
Coding change: c.101G>A on transcript NM_147127.5 (MANE Select); coding-DNA position 101, G replaced by A.
Protein change: p.Ser34Asn; replaces serine 34 with asparagine.
Molecular consequence: missense variant. On other transcripts: intron variant (1).
Genome position (GRCh38, 1-based): chr4:5,708,413, C>T on the plus strand (G>A on the coding strand, the complement: EVC2 is on the minus strand). VCF-style: chr4-5708413-C-T. GRCh37 (hg19) VCF-style: chr4-5710140-C-T.
Other names: c.-13+416G>A (NM_001166136.2); short protein forms S34N.
Identifiers: ClinVar variation 1449582 (VCV001449582.5), dbSNP rs888701582, ClinGen allele CA91731585.